The following is an entry in ClinVar:

ClinVar aggregate classification (germline): Uncertain significance (1 of 4 stars; one submission).

Conditions:
Developmental and epileptic encephalopathy, 67. Also called: EPILEPTIC ENCEPHALOPATHY, EARLY INFANTILE, 67. Identifiers: MedGen C4748341, MONDO:0029138, OMIM 618141.

Submission:

Laboratorio de Genetica e Diagnostico Molecular, Hospital Israelita Albert Einstein
Classification: Uncertain significance for Developmental and epileptic encephalopathy, 67. Last evaluated: 2022-06-13. Review status: criteria provided, single submitter. Criteria: ACMG Guidelines, 2015. Collection method: clinical testing. Allele origin: germline. Affected: yes.
Comment: ACMG classification criteria: PM2 moderated, BP4 supporting

NM_015267.4(CUX2):c.4141A>C (p.Lys1381Gln)

Gene: CUX2 (cut like homeobox 2; plus strand). Cytogenetic location: 12q24.12.
Variant type: single nucleotide variant.
Coding change: c.4141A>C on transcript NM_015267.4 (MANE Select); coding-DNA position 4141, A replaced by C.
Protein change: p.Lys1381Gln; replaces lysine 1381 with glutamine.
Molecular consequence: missense variant.
Genome position (GRCh38, 1-based): chr12:111,348,005, A>C. VCF-style: chr12-111348005-A-C. GRCh37 (hg19) VCF-style: chr12-111785809-A-C.
Other names: c.3955A>C, p.Lys1319Gln (NM_001370598.1); short protein forms K1319Q, K1381Q.
Identifiers: ClinVar variation 2431827 (VCV002431827.2), dbSNP rs2499943947, ClinGen allele CA386722564.